The following is an entry in ClinVar:

ClinVar aggregate classification (germline): Pathogenic/Likely pathogenic. Review status: no assertion criteria provided (0 of 4 stars). 2 submissions from 2 submitters: Pathogenic (1); Likely pathogenic (1). Last evaluated 2022-02-11.

Conditions:
Cornelia de Lange syndrome 1 (CDLS1). Also called: Brachmann de Lange syndrome; TYPUS DEGENERATIVUS AMSTELODAMENSIS; NIPBL-Related Cornelia de Lange Syndrome. Identifiers: Orphanet 199, MedGen C4551851, MONDO:0007387, OMIM 122470.

Submissions (2):

Department of Genetics, Rouen University Hospital, Normandy Center for Genomic and Personalized Medicine
Classification: Likely pathogenic for Cornelia de Lange syndrome 1. Last evaluated: 2022-02-11. Review status: no assertion criteria provided. Collection method: clinical testing. Allele origin: de novo. Inheritance: Sporadic. Affected: yes. Observed: 1 heterozygote.
Comment: This NM_133433.4:c.-467C>T, p.? (Chr5:36876893C>T) variant creates an ATG with strong in silico predictions of a use as an alternative translation initiation site with a putative uORF, is located 11-bp upstream from the c.-457_-456delinsAT variant that we assessed here, occurred de novo in a patient with classic CdLS, and was very recently reported in another CdLS patient in the Clinvar database, classified as pathogenic by the Cell and Gene Engineering Laboratory, Zhejiang University (evidence not provided in Clinvar, accession number: SCV001775539).

Cell and Gene Engineering Laboratory, Zhejiang University
Classification: Pathogenic for Cornelia de Lange syndrome 1. Last evaluated: 2019-05-17. Review status: no assertion criteria provided. Collection method: clinical testing. Allele origin: de novo. Inheritance: Autosomal dominant inheritance. Affected: no. Observed: 1 variant allele, 1 heterozygote.
Comment: Additionally, in vitro functional studies indicated that the variant significantly decreased the transcription activity of NIPBL. In summary, this results indicates classification of this variant as pathogenic.

NM_133433.4(NIPBL):c.-467C>T

Gene: NIPBL (NIPBL cohesin loading factor; plus strand). Cytogenetic location: 5p13.2.
Variant type: single nucleotide variant.
Coding change: c.-467C>T on transcript NM_133433.4 (MANE Select); 467 bases upstream of the start codon, C replaced by T.
Molecular consequence: 5 prime UTR variant.
Genome position (GRCh38, 1-based): chr5:36,876,791, C>T. VCF-style: chr5-36876791-C-T. GRCh37 (hg19) VCF-style: chr5-36876893-C-T.
Other names: c.-467C>T (NM_015384.5).
Identifiers: ClinVar variation 1195876 (VCV001195876.4), dbSNP rs1251456909, ClinGen allele CA2499217834.
Genomic context (GRCh38, chr5:36,876,791, plus strand): 5'-CGGAGGGAGTCATTCCTGCAGCTGCACTTCCGGTCGGCATTTTGTTCTGAGAGGGAGAGA[C>T]GGAACGAGAGAGAGACACACACAGGGCTCCTTCCCCCCGCCCTCCCCCCCCTCCCTCCGT-3'